The following is an entry in ClinVar:

NM_001130438.3(SPTAN1):c.6707+5A>G

Gene: SPTAN1 (spectrin alpha, non-erythrocytic 1; plus strand). Cytogenetic location: 9q34.11.
Variant type: single nucleotide variant.
Coding change: c.6707+5A>G on transcript NM_001130438.3 (MANE Select); 5 bases into the intron after coding-DNA position 6707, A replaced by G.
Molecular consequence: intron variant.
Genome position (GRCh38, 1-based): chr9:128,627,947, A>G. VCF-style: chr9-128627947-A-G. GRCh37 (hg19) VCF-style: chr9-131390226-A-G.
Other names: c.6707+5A>G (NM_001375311.2, NM_001363759.2); c.6647+5A>G (NM_001375314.2, NM_001363765.2); c.6794+5A>G (NM_001375310.1); c.6689+449A>G (NM_001375313.1); c.6692+5A>G (NM_003127.4); c.6632+5A>G (NM_001195532.2); c.6743+5A>G (NM_001375318.1, NM_001375312.2).
Identifiers: ClinVar variation 2870989 (VCV002870989.3), dbSNP rs984212165, ClinGen allele CA590640535.

ClinVar aggregate classification (germline): Uncertain significance (1 of 4 stars; one submission).

Conditions:
Early-infantile DEE. Also called: Ohtahara syndrome; Early infantile epileptic encephalopathy; Early infantile epileptic encephalopathy with suppression bursts. Identifiers: Orphanet 1934, MedGen C0393706, MONDO:0800491.

gnomAD v4.1: 1 of 1,614,072 alleles (0.000062%); no homozygotes.

Submission:

Labcorp Genetics (formerly Invitae), Labcorp
Classification: Uncertain significance for Early-infantile DEE. Last evaluated: 2024-06-12. Review status: criteria provided, single submitter. Criteria: Invitae Variant Classification Sherloc (09022015). Collection method: clinical testing. Allele origin: germline.
Comment: This sequence change falls in intron 51 of the SPTAN1 gene. It does not directly change the encoded amino acid sequence of the SPTAN1 protein. It affects a nucleotide within the consensus splice site. This variant is present in population databases (no rsID available, gnomAD 0.002%). This variant has not been reported in the literature in individuals affected with SPTAN1-related conditions. Variants that disrupt the consensus splice site are a relatively common cause of aberrant splicing (PMID: 17576681, 9536098). Algorithms developed to predict the effect of sequence changes on RNA splicing suggest that this variant is not likely to affect RNA splicing. In summary, the available evidence is currently insufficient to determine the role of this variant in disease. Therefore, it has been classified as a Variant of Uncertain Significance.

Literature cited by the submitters: PubMed 17576681; PubMed 9536098.